The following is an entry in ClinVar:

ClinVar aggregate classification (germline): Uncertain significance (1 of 4 stars; one submission).

Conditions:
TTN-related disorder. Also called: TTN-related disorders; TTN-related condition; TTN-related disease.

gnomAD v4.1: 3 of 1,613,590 alleles (0.00019%); highest among the groups gnomAD compares: Non-Finnish European, 0.00025%; no homozygotes.

Submission:

PreventionGenetics, part of Exact Sciences
Classification: Uncertain significance for TTN-related condition. Last evaluated: 2026-01-06. Review status: criteria provided, single submitter. Criteria: ACMG Guidelines, 2015. Collection method: clinical testing. Allele origin: germline.
Comment: The TTN c.92014G>A variant is predicted to result in the amino acid substitution p.Asp30672Asn. To our knowledge, this variant has not been reported in the literature or in a large population database (gnomAD), indicating this variant is rare. At this time, the clinical significance of this variant is uncertain due to the absence of conclusive functional and genetic evidence.

NM_001267550.2(TTN):c.92014G>A (p.Asp30672Asn)

Genes: TTN (titin; minus strand), TTN-AS1 (TTN antisense RNA 1; plus strand). Cytogenetic location: 2q31.2.
Variant type: single nucleotide variant.
Coding change: c.92014G>A on transcript NM_001267550.2 (MANE Select); coding-DNA position 92014, G replaced by A.
Protein change: p.Asp30672Asn; replaces aspartic acid 30672 with asparagine.
Molecular consequence: missense variant.
Genome position (GRCh38, 1-based): chr2:178,549,708, C>T on the plus strand (G>A on the coding strand, the complement: TTN is on the minus strand). VCF-style: chr2-178549708-C-T. GRCh37 (hg19) VCF-style: chr2-179414435-C-T.
Other names: c.87091G>A, p.Asp29031Asn (NM_001256850.1); c.64819G>A, p.Asp21607Asn (NM_003319.4); c.84310G>A, p.Asp28104Asn (NM_133378.4); c.65194G>A, p.Asp21732Asn (NM_133432.3); c.65395G>A, p.Asp21799Asn (NM_133437.4); short protein forms D21732N, D28104N, D21799N, D29031N, D21607N, D30672N.
Identifiers: ClinVar variation 4980164 (VCV004980164.1).